The following is an entry in ClinVar:

NM_198578.4(LRRK2):c.93_94del (p.Gln31fs)

Gene: LRRK2 (leucine rich repeat kinase 2; plus strand). Cytogenetic location: 12q12.
Variant type: Deletion.
Coding change: c.93_94del on transcript NM_198578.4 (MANE Select); coding-DNA positions 93 to 94, 2 bases deleted (GA; older notation c.93_94delGA).
Protein change: p.Gln31fs; shifts the reading frame from glutamine 31.
Molecular consequence: frameshift variant.
Genome position (GRCh38, 1-based): chr12:40,225,224-40,225,225, GA deleted; deleting any 2 consecutive bases within chr12:40,225,223-40,225,225 gives the same sequence; the c. name uses the placement nearest the transcript's 3' end. VCF-style (leftmost placement, unchanged base first): chr12-40225222-CAG-C. GRCh37 (hg19) VCF-style: chr12-40619024-CAG-C.
Other names: short protein forms Q31fs.
Identifiers: ClinVar variation 1473783 (VCV001473783.6), dbSNP rs2136364047, ClinGen allele CA2573148529.
Genomic context (GRCh38, chr12:40,225,222, plus strand): 5'-GAGGACGAGGAAACTCTGAAGAAGTTGATAGTCAGGCTGAACAATGTCCAGGAAGGAAAA[CAG>C]ATAGAAACGCTGGTCCAAATCCTGGAGGATCTGCTGGTGTTCACGTACTCCGAGCGCGGT-3'

ClinVar aggregate classification (germline): Uncertain significance (1 of 4 stars; one submission).

Conditions:
Autosomal dominant Parkinson disease 8. Also called: LRRK2-Related Parkinson Disease; Parkinson disease 8; Parkinson disease 8, susceptibility to. Identifiers: Orphanet 411602, MedGen C1846862, MONDO:0011764, OMIM 607060.

Submission:

Labcorp Genetics (formerly Invitae), Labcorp
Classification: Uncertain significance for Autosomal dominant Parkinson disease 8. Last evaluated: 2021-05-20. Review status: criteria provided, single submitter. Criteria: Invitae Variant Classification Sherloc (09022015). Collection method: clinical testing. Allele origin: germline.
Comment: In summary, the available evidence is currently insufficient to determine the role of this variant in disease. Therefore, it has been classified as a Variant of Uncertain Significance. This variant has not been reported in the literature in individuals with LRRK2-related conditions. This variant is not present in population databases (ExAC no frequency). This sequence change creates a premature translational stop signal (p.Gln31Hisfs*77) in the LRRK2 gene. It is expected to result in an absent or disrupted protein product. However, the current clinical and genetic evidence is not sufficient to establish whether loss-of-function variants in LRRK2 cause disease.